The following is an entry in ClinVar:

NM_005529.7(HSPG2):c.9694C>T (p.Arg3232Cys)

Gene: HSPG2 (heparan sulfate proteoglycan 2; minus strand). Cytogenetic location: 1p36.12.
Variant type: single nucleotide variant.
Coding change: c.9694C>T on transcript NM_005529.7 (MANE Select); coding-DNA position 9694, C replaced by T.
Protein change: p.Arg3232Cys; replaces arginine 3232 with cysteine.
Molecular consequence: missense variant.
Genome position (GRCh38, 1-based): chr1:21,839,837, G>A on the plus strand (C>T on the coding strand, the complement: HSPG2 is on the minus strand). VCF-style: chr1-21839837-G-A. GRCh37 (hg19) VCF-style: chr1-22166330-G-A.
Other names: c.9697C>T, p.Arg3233Cys (NM_001291860.2); short protein forms R3232C, R3233C.
Identifiers: ClinVar variation 874933 (VCV000874933.6), dbSNP rs767115080, ClinGen allele CA670375.

ClinVar aggregate classification (germline): Uncertain significance. Review status: criteria provided, multiple submitters, no conflicts (2 of 4 stars). 4 submissions from 3 submitters: Uncertain significance (4). Last evaluated 2025-03-17.

Conditions:
Schwartz-Jampel syndrome. Also called: Myotonic myopathy dwarfism chondrodystrophy and ocular and facial abnormalities. Identifiers: Orphanet 800, MedGen C0036391, MONDO:0009717.
Inborn genetic diseases. Identifiers: MedGen C0950123, MeSH D030342.
Lethal Kniest-like syndrome (DDSH). Also called: Dyssegmental Dysplasia. Identifiers: Orphanet 1865, MedGen C1857100, MONDO:0009140, OMIM 224410.

Allele frequency attached by ClinVar (database versions not stated): ExAC 0.00001; gnomAD 0.00001; TOPMed 0.00001; gnomAD exomes 0.00002 and 0.00003.
gnomAD v4.1: 26 of 1,613,542 alleles (0.0016%); highest among the groups gnomAD compares: East Asian, 0.0089%; no homozygotes.

Submissions (4):

GeneDx
Classification: Uncertain significance. Last evaluated: 2025-03-17. Review status: criteria provided, single submitter. Criteria: GeneDx Variant Classification Process June 2021. Collection method: clinical testing. Allele origin: germline. Affected: yes.
Comment: In silico analysis supports that this missense variant has a deleterious effect on protein structure/function; Has not been previously published as pathogenic or benign to our knowledge

Ambry Genetics
Classification: Uncertain significance for Inborn genetic diseases. Last evaluated: 2025-03-07. Review status: criteria provided, single submitter. Criteria: Ambry Variant Classification Scheme 2023. Collection method: clinical testing. Allele origin: germline.

Illumina Laboratory Services, Illumina
Classification: Uncertain significance for Lethal Kniest-like syndrome. Last evaluated: 2018-01-13. Review status: criteria provided, single submitter. Criteria: ICSL Variant Classification Criteria 13 December 2019. Collection method: clinical testing. Allele origin: germline.

Illumina Laboratory Services, Illumina
Classification: Uncertain significance for Schwartz-Jampel syndrome type 1. Last evaluated: 2018-01-13. Review status: criteria provided, single submitter. Criteria: ICSL Variant Classification Criteria 13 December 2019. Collection method: clinical testing. Allele origin: germline.